The following is an entry in ClinVar:

ClinVar aggregate classification (germline): Uncertain significance (1 of 4 stars; one submission).

Conditions:
Infantile neuroaxonal dystrophy (NBIA2A). Also called: NEURODEGENERATION WITH BRAIN IRON ACCUMULATION 2A; SEITELBERGER DISEASE; Infantile neuroaxonal dystrophy 1. Identifiers: Orphanet 35069, MedGen C0270724, MONDO:0024457, OMIM 256600.

Submission:

Labcorp Genetics (formerly Invitae), Labcorp
Classification: Uncertain significance for Infantile neuroaxonal dystrophy. Last evaluated: 2022-08-16. Review status: criteria provided, single submitter. Criteria: Invitae Variant Classification Sherloc (09022015). Collection method: clinical testing. Allele origin: germline.
Comment: This sequence change replaces cysteine, which is neutral and slightly polar, with tyrosine, which is neutral and polar, at codon 175 of the PLA2G6 protein (p.Cys175Tyr). This variant is not present in population databases (gnomAD no frequency). This variant has not been reported in the literature in individuals affected with PLA2G6-related conditions. ClinVar contains an entry for this variant (Variation ID: 1373090). Advanced modeling of protein sequence and biophysical properties (such as structural, functional, and spatial information, amino acid conservation, physicochemical variation, residue mobility, and thermodynamic stability) performed at Invitae indicates that this missense variant is expected to disrupt PLA2G6 protein function. In summary, the available evidence is currently insufficient to determine the role of this variant in disease. Therefore, it has been classified as a Variant of Uncertain Significance.

NM_003560.4(PLA2G6):c.524G>A (p.Cys175Tyr)

Gene: PLA2G6 (phospholipase A2 group VI; minus strand). Cytogenetic location: 22q13.1.
Variant type: single nucleotide variant.
Coding change: c.524G>A on transcript NM_003560.4 (MANE Select); coding-DNA position 524, G replaced by A.
Protein change: p.Cys175Tyr; replaces cysteine 175 with tyrosine.
Molecular consequence: missense variant. On other transcripts: 5 prime UTR variant (2).
Genome position (GRCh38, 1-based): chr22:38,143,190, C>T on the plus strand (G>A on the coding strand, the complement: PLA2G6 is on the minus strand). VCF-style: chr22-38143190-C-T. GRCh37 (hg19) VCF-style: chr22-38539197-C-T.
Other names: c.524G>A, p.Cys175Tyr (NM_001004426.3, NM_001199562.3, NM_001349864.2 and 2 more transcripts); c.-11G>A (NM_001349867.2, NM_001349869.2); c.34G>A, p.Ala12Thr (NM_001349868.2); short protein forms A12T, C175Y.
Identifiers: ClinVar variation 1373090 (VCV001373090.6), dbSNP rs2145818936, ClinGen allele CA411531846.